The following is an entry in ClinVar:

ClinVar aggregate classification (germline): Conflicting classifications of pathogenicity. Review status: criteria provided, conflicting classifications (1 of 4 stars). 2 submissions from 2 submitters: Uncertain significance (1); Likely benign (1). Last evaluated 2024-10-28.

Conditions:
Inborn genetic diseases. Identifiers: MedGen C0950123, MeSH D030342.

Allele frequency attached by ClinVar (database versions not stated): gnomAD exomes 0.00009; ExAC 0.00012; gnomAD 0.00015 and 0.00016; TOPMed 0.00018; 1000 Genomes Project 30x 0.00031; 1000 Genomes Project 0.00040.
gnomAD v4.1: 121 of 1,609,874 alleles (0.0075%); highest among the groups gnomAD compares: East Asian, 0.033%; no homozygotes.

Submissions (2):

Labcorp Genetics (formerly Invitae), Labcorp
Classification: Uncertain significance. Last evaluated: 2024-10-28. Review status: criteria provided, single submitter. Criteria: Invitae Variant Classification Sherloc (09022015). Collection method: clinical testing. Allele origin: germline.
Comment: This sequence change replaces aspartic acid, which is acidic and polar, with asparagine, which is neutral and polar, at codon 634 of the C6 protein (p.Asp634Asn). This variant is present in population databases (rs544678725, gnomAD 0.03%). This variant has not been reported in the literature in individuals affected with C6-related conditions. ClinVar contains an entry for this variant (Variation ID: 1011338). An algorithm developed to predict the effect of missense changes on protein structure and function outputs the following: PolyPhen-2: "Benign". The asparagine amino acid residue is found in multiple mammalian species, which suggests that this missense change does not adversely affect protein function. In summary, the available evidence is currently insufficient to determine the role of this variant in disease. Therefore, it has been classified as a Variant of Uncertain Significance.

Ambry Genetics
Classification: Likely benign for Inborn genetic diseases. Last evaluated: 2023-12-08. Review status: criteria provided, single submitter. Criteria: Ambry Variant Classification Scheme 2023. Collection method: clinical testing. Allele origin: germline.

NM_000065.5(C6):c.1900G>A (p.Asp634Asn)

Gene: C6 (complement C6; minus strand). Cytogenetic location: 5p13.1.
Variant type: single nucleotide variant.
Coding change: c.1900G>A on transcript NM_000065.5 (MANE Select); coding-DNA position 1900, G replaced by A.
Protein change: p.Asp634Asn; replaces aspartic acid 634 with asparagine.
Molecular consequence: missense variant.
Genome position (GRCh38, 1-based): chr5:41,158,742, C>T on the plus strand (G>A on the coding strand, the complement: C6 is on the minus strand). VCF-style: chr5-41158742-C-T. GRCh37 (hg19) VCF-style: chr5-41158844-C-T.
Other names: c.1900G>A, p.Asp634Asn (NM_001115131.4); c.1900G>A (NM_000065.2); short protein forms D634N.
Identifiers: ClinVar variation 1011338 (VCV001011338.6), dbSNP rs544678725, ClinGen allele CA3252282.